The following is an entry in ClinVar:

NM_001164665.2(KIAA1549):c.5761G>C (p.Gly1921Arg)

Gene: KIAA1549 (KIAA1549; minus strand). Cytogenetic location: 7q34.
Variant type: single nucleotide variant.
Coding change: c.5761G>C on transcript NM_001164665.2 (MANE Select); coding-DNA position 5761, G replaced by C.
Protein change: p.Gly1921Arg; replaces glycine 1921 with arginine.
Molecular consequence: missense variant.
Genome position (GRCh38, 1-based): chr7:138,837,998, C>G on the plus strand (G>C on the coding strand, the complement: KIAA1549 is on the minus strand). VCF-style: chr7-138837998-C-G. GRCh37 (hg19) VCF-style: chr7-138522743-C-G.
Other names: c.5713G>C, p.Gly1905Arg (NM_020910.3); short protein forms G1905R, G1921R.
Identifiers: ClinVar variation 961799 (VCV000961799.9), dbSNP rs1211496955, ClinGen allele CA369383478.

ClinVar aggregate classification (germline): Uncertain significance (1 of 4 stars; one submission).

Submission:

Labcorp Genetics (formerly Invitae), Labcorp
Classification: Uncertain significance. Last evaluated: 2019-08-21. Review status: criteria provided, single submitter. Criteria: Invitae Variant Classification Sherloc (09022015). Collection method: clinical testing. Allele origin: germline.
Comment: This sequence change replaces glycine with arginine at codon 1921 of the KIAA1549 protein (p.Gly1921Arg). The glycine residue is highly conserved and there is a moderate physicochemical difference between glycine and arginine. This variant is not present in population databases (ExAC no frequency). This variant has not been reported in the literature in individuals with KIAA1549-related conditions. In summary, the available evidence is currently insufficient to determine the role of this variant in disease. Therefore, it has been classified as a Variant of Uncertain Significance. Algorithms developed to predict the effect of missense changes on protein structure and function are either unavailable or do not agree on the potential impact of this missense change (SIFT: "Deleterious"; PolyPhen-2: "Possibly Damaging"; Align-GVGD: "Class C0").